The following is an entry in ClinVar:

ClinVar aggregate classification (germline): Uncertain significance (1 of 4 stars; one submission).

gnomAD v4.1: 1 of 1,613,814 alleles (0.000062%); highest among the groups gnomAD compares: Non-Finnish European, 0.000085%; no homozygotes.

Submission:

Labcorp Genetics (formerly Invitae), Labcorp
Classification: Uncertain significance. Last evaluated: 2025-08-29. Review status: criteria provided, single submitter. Criteria: Invitae Variant Classification Sherloc (09022015). Collection method: clinical testing. Allele origin: germline.
Comment: This sequence change affects an acceptor splice site in intron 19 of the TCIRG1 gene. While this variant is not anticipated to result in nonsense mediated decay, it likely alters RNA splicing and results in a disrupted protein product. This variant is not present in population databases (gnomAD no frequency). Disruption of this splice site has been observed in individual(s) with osteopetrosis (PMID: 24108692). Variants that disrupt the consensus splice site are a relatively common cause of aberrant splicing (PMID: 17576681, 9536098). Algorithms developed to predict the effect of sequence changes on RNA splicing suggest that this variant may disrupt the consensus splice site. In summary, the available evidence is currently insufficient to determine the role of this variant in disease. Therefore, it has been classified as a Variant of Uncertain Significance.

Literature cited by the submitters: PubMed 24108692; PubMed 17576681; PubMed 9536098.

NM_006019.4(TCIRG1):c.2415-1G>A

Gene: TCIRG1 (T cell immune regulator 1, ATPase H+ transporting V0 subunit a3; plus strand). Cytogenetic location: 11q13.2.
Variant type: single nucleotide variant.
Coding change: c.2415-1G>A on transcript NM_006019.4 (MANE Select); the canonical splice acceptor site of the intron before coding-DNA position 2415, G replaced by A.
Molecular consequence: splice acceptor variant.
Genome position (GRCh38, 1-based): chr11:68,050,740, G>A. VCF-style: chr11-68050740-G-A. GRCh37 (hg19) VCF-style: chr11-67818207-G-A.
Other names: c.2415-1G>A (NM_001440552.1, NM_001440553.1, NM_001440554.1); c.2237-1G>A (NM_001440557.1, NM_001440558.1); c.2202-1G>A (NM_001440559.1, NM_001440561.1, NM_001440560.1 and 1 more transcripts); c.1455-1G>A (NM_001440569.1); c.2024-1G>A (NM_001440566.1); c.2373-1G>A (NM_001440555.1, NM_001440556.1); c.1521-1G>A (NM_001351059.2); c.1953-1G>A (NM_001440567.1); and 5 more.
Identifiers: ClinVar variation 4722150 (VCV004722150.1).
Genomic context (GRCh38, chr11:68,050,740, plus strand): 5'-CTGGCCTGGGCTGCTCAAGGCGTGAGTTCCCCTCACCAACCCCTCTGCTTCTCACCCCCA[G>A]GGTGGAATTCCAGAACAAGTTCTACTCAGGCACGGGCTACAAGCTGAGTCCCTTCACCTT-3'